The following is an entry in ClinVar:

ClinVar aggregate classification (germline): Likely pathogenic (1 of 4 stars; one submission).

Allele frequency attached by ClinVar (database versions not stated): gnomAD exomes below 0.00001; TOPMed 0.00001.

Submission:

Athena Diagnostics
Classification: Likely pathogenic. Last evaluated: 2023-03-28. Review status: criteria provided, single submitter. Criteria: Athena Diagnostics Criteria. Collection method: clinical testing. Allele origin: unknown.
Comment: This variant is expected to result in the loss of a functional protein. This variant has not been reported in large, multi-ethnic general populations.

NM_014855.3(AP5Z1):c.1767dup (p.Leu590fs)

Gene: AP5Z1 (adaptor related protein complex 5 subunit zeta 1; plus strand). Cytogenetic location: 7p22.1.
Variant type: Duplication.
Coding change: c.1767dup on transcript NM_014855.3 (MANE Select); coding-DNA position 1767, one base duplicated (G; older notation c.1767dupG).
Protein change: p.Leu590fs; shifts the reading frame from leucine 590.
Molecular consequence: frameshift variant. On other transcripts: non-coding transcript variant (1).
Genome position (GRCh38, 1-based): chr7:4,789,891, G duplicated. VCF-style (leftmost placement, unchanged base first): chr7-4789890-C-CG. GRCh37 (hg19) VCF-style: chr7-4829521-C-CG.
Other names: c.1299dup, p.Leu434fs (NM_001364858.1); short protein forms L434fs, L590fs.
Identifiers: ClinVar variation 2684357 (VCV002684357.1), dbSNP rs1158367720, ClinGen allele CA839066082.